The following is an entry in ClinVar:

ClinVar aggregate classification (germline): Uncertain significance. Review status: criteria provided, multiple submitters, no conflicts (2 of 4 stars). 2 submissions from 2 submitters: Uncertain significance (2). Last evaluated 2022-10-25.

gnomAD v4.1: 134 of 1,572,854 alleles (0.0085%); highest among the groups gnomAD compares: Non-Finnish European, 0.011%; no homozygotes.

Submissions (2):

Ambry Genetics
Classification: Uncertain significance. Last evaluated: 2022-10-25. Review status: criteria provided, single submitter. Criteria: Ambry Variant Classification Scheme 2023. Collection method: clinical testing. Allele origin: germline.

Labcorp Genetics (formerly Invitae), Labcorp
Classification: Uncertain significance. Last evaluated: 2021-10-03. Review status: criteria provided, single submitter. Criteria: Invitae Variant Classification Sherloc (09022015). Collection method: clinical testing. Allele origin: germline.
Comment: This sequence change replaces arginine with glutamine at codon 511 of the LRRC56 protein (p.Arg511Gln). The arginine residue is moderately conserved and there is a small physicochemical difference between arginine and glutamine. This variant is present in population databases (rs367633088, ExAC 0.02%). This variant has not been reported in the literature in individuals affected with LRRC56-related conditions. Algorithms developed to predict the effect of missense changes on protein structure and function output the following: SIFT: "Deleterious"; PolyPhen-2: "Benign"; Align-GVGD: "Class C0". The glutamine amino acid residue is found in multiple mammalian species, which suggests that this missense change does not adversely affect protein function. In summary, the available evidence is currently insufficient to determine the role of this variant in disease. Therefore, it has been classified as a Variant of Uncertain Significance.

NM_198075.4(LRRC56):c.1532G>A (p.Arg511Gln)

Gene: LRRC56 (leucine rich repeat containing 56; plus strand). Cytogenetic location: 11p15.5.
Variant type: single nucleotide variant.
Coding change: c.1532G>A on transcript NM_198075.4 (MANE Select); coding-DNA position 1532, G replaced by A.
Protein change: p.Arg511Gln; replaces arginine 511 with glutamine.
Molecular consequence: missense variant.
Genome position (GRCh38, 1-based): chr11:554,179, G>A. VCF-style: chr11-554179-G-A. GRCh37 (hg19) VCF-style: chr11-554179-G-A.
Other names: c.1532G>A (NM_198075.3); short protein forms R511Q.
Identifiers: ClinVar variation 1494134 (VCV001494134.4), dbSNP rs367633088, ClinGen allele CA5780131.